The following is an entry in ClinVar:

ClinVar aggregate classification (germline): Conflicting classifications of pathogenicity. Review status: criteria provided, conflicting classifications (1 of 4 stars). 5 submissions from 5 submitters: Uncertain significance (4); Likely benign (1). Last evaluated 2025-11-05.

Conditions:
Hereditary breast ovarian cancer syndrome. Also called: Hereditary breast and ovarian cancer syndrome (HBOC); Hereditary breast and ovarian cancer; BRCA1- and BRCA2-Associated Hereditary Breast and Ovarian Cancer; Breast and ovarian cancer; Hereditary breast and ovarian cancer syndrome; Hereditary breast and/or ovarian cancer syndrome. Identifiers: Orphanet 145, MedGen C0677776, MeSH D061325, MONDO:0003582. Disease mechanism: loss of function.
Breast-ovarian cancer, familial, susceptibility to, 1 (BROVCA1). Also called: OVARIAN CANCER, SUSCEPTIBILITY TO; BRCA1 Hereditary Breast and Ovarian Cancer. Identifiers: Orphanet 145, MedGen C2676676, MONDO:0011450, OMIM 604370. Disease mechanism: loss of function.
Hereditary cancer-predisposing syndrome. Also called: Hereditary neoplastic syndrome; Tumor predisposition; Hereditary Cancer Syndrome; Neoplastic Syndromes, Hereditary. Identifiers: Orphanet 140162, MedGen C0027672, MeSH D009386, MONDO:0015356.

Allele frequency attached by ClinVar (database versions not stated): gnomAD exomes below 0.00001; ExAC 0.00001.
gnomAD v4.1: 3 of 1,612,618 alleles (0.00019%); highest among the groups gnomAD compares: South Asian, 0.0011%; no homozygotes.

Submissions (5):

Quest Diagnostics Nichols Institute San Juan Capistrano
Classification: Uncertain significance. Last evaluated: 2025-11-05. Review status: criteria provided, single submitter. Criteria: Quest Diagnostics criteria. Collection method: clinical testing. Allele origin: unknown.
Comment: The BRCA1 c.4111G>A (p.Gly1371Arg) variant has been reported in the published literature in an individual with breast cancer (PMID: 31465090 (2019)). The frequency of this variant in the general population (Genome Aggregation Database) is uninformative in the assessment of its pathogenicity. Analysis of this variant using bioinformatics tools for the prediction of the effect of amino acid changes on protein structure and function yielded predictions that this variant is benign. Based on the available information, we are unable to determine the clinical significance of this variant.

Labcorp Genetics (formerly Invitae), Labcorp
Classification: Uncertain significance for Hereditary breast ovarian cancer syndrome. Last evaluated: 2024-01-13. Review status: criteria provided, single submitter. Criteria: Invitae Variant Classification Sherloc (09022015). Collection method: clinical testing. Allele origin: germline.
Comment: This sequence change replaces glycine, which is neutral and non-polar, with arginine, which is basic and polar, at codon 1371 of the BRCA1 protein (p.Gly1371Arg). This variant is present in population databases (rs774593602, gnomAD 0.003%). This missense change has been observed in individual(s) with breast cancer (PMID: 31465090). ClinVar contains an entry for this variant (Variation ID: 630121). Advanced modeling of protein sequence and biophysical properties (such as structural, functional, and spatial information, amino acid conservation, physicochemical variation, residue mobility, and thermodynamic stability) performed at Invitae indicates that this missense variant is not expected to disrupt BRCA1 protein function with a negative predictive value of 95%. In summary, the available evidence is currently insufficient to determine the role of this variant in disease. Therefore, it has been classified as a Variant of Uncertain Significance.

Myriad Genetics, Inc.
Classification: Likely benign for Breast-ovarian cancer, familial, susceptibility to, 1. Last evaluated: 2023-06-09. Review status: criteria provided, single submitter. Criteria: Myriad Autosomal Dominant, Autosomal Recessive and X-Linked Classification Criteria (2023). Collection method: clinical testing. Allele origin: unknown.
Comment: This variant is considered likely benign. This variant is strongly associated with less severe personal and family histories of cancer, typical for individuals without pathogenic variants in this gene [PMID: 25085752].

Ambry Genetics
Classification: Uncertain significance for Hereditary cancer-predisposing syndrome. Last evaluated: 2022-05-06. Review status: criteria provided, single submitter. Criteria: Ambry Variant Classification Scheme 2023. Collection method: clinical testing. Allele origin: germline.
Comment: The p.G1371R variant (also known as c.4111G>A), located in coding exon 10 of the BRCA1 gene, results from a G to A substitution at nucleotide position 4111. The glycine at codon 1371 is replaced by arginine, an amino acid with dissimilar properties. This alteration was identified in an individual with metastatic breast cancer (Stuttgen K et al. JAMA Oncol, 2019 Oct;5:1506-1508). This amino acid position is not well conserved in available vertebrate species. In addition, this alteration is predicted to be deleterious by in silico analysis. Since supporting evidence is limited at this time, the clinical significance of this alteration remains unclear.

Color Diagnostics, LLC DBA Color Health
Classification: Uncertain significance for Hereditary cancer-predisposing syndrome. Last evaluated: 2020-12-08. Review status: criteria provided, single submitter. Criteria: ACMG Guidelines, 2015. Collection method: clinical testing. Allele origin: germline.
Comment: This missense variant replaces glycine with arginine at codon 1371 of the BRCA1 protein. Computational prediction suggests that this variant may not impact protein structure and function (internally defined REVEL score threshold <= 0.5, PMID: 27666373). To our knowledge, functional studies have not been reported for this variant. This variant has not been reported in individuals affected with hereditary cancer in the literature. However, a different nucleotide change with the same protein alteration has been observed in an individual affected with breast cancer (PMID: 20104584, 21520273). This variant has been identified in 1/248546 chromosomes in the general population by the Genome Aggregation Database (gnomAD). The available evidence is insufficient to determine the role of this variant in disease conclusively. Therefore, this variant is classified as a Variant of Uncertain Significance.

Literature cited by the submitters: PubMed 31465090 (cited by 3 submitters); PubMed 20104584 (cited by Quest Diagnostics Nichols Institute San Juan Capistrano); PubMed 31911673 (cited by Quest Diagnostics Nichols Institute San Juan Capistrano); PubMed 25085752 (cited by Myriad Genetics, Inc.).

NM_007294.4(BRCA1):c.4111G>A (p.Gly1371Arg)

Gene: BRCA1 (BRCA1 DNA repair associated; minus strand). Cytogenetic location: 17q21.31.
Variant type: single nucleotide variant.
Coding change: c.4111G>A on transcript NM_007294.4 (MANE Select); coding-DNA position 4111, G replaced by A.
Protein change: p.Gly1371Arg; replaces glycine 1371 with arginine.
Molecular consequence: missense variant. On other transcripts: non-coding transcript variant (1).
Genome position (GRCh38, 1-based): chr17:43,091,018, C>T on the plus strand (G>A on the coding strand, the complement: BRCA1 is on the minus strand). VCF-style: chr17-43091018-C-T. GRCh37 (hg19) VCF-style: chr17-41243035-C-T.
Other names: c.592G>A, p.Gly198Arg (NM_001408483.1, NM_001408484.1, NM_001408485.1 and 9 more transcripts); c.589G>A, p.Gly197Arg (NM_001408490.1, NM_001408491.1, NM_001408493.1); c.562G>A, p.Gly188Arg (NM_001408494.1); c.559G>A, p.Gly187Arg (NM_001408495.1); c.538G>A, p.Gly180Arg (NM_001408496.1, NM_001408497.1, NM_001408498.1 and 3 more transcripts); c.469G>A, p.Gly157Arg (NM_001408502.1); c.535G>A, p.Gly179Arg (NM_001408503.1, NM_001408504.1, NM_001408505.1); c.475G>A, p.Gly159Arg (NM_001408506.1, NM_001408507.1); and 41 more; short protein forms G1371R, G268R, G1324R, G1203R, G1244R, G1259R, G1283R, G1301R.
Identifiers: ClinVar variation 630121 (VCV000630121.12), dbSNP rs774593602, ClinGen allele CA059434.